The following is an entry in ClinVar:

NM_000089.4(COL1A2):c.793-20G>T

Gene: COL1A2 (collagen type I alpha 2 chain; plus strand). Cytogenetic location: 7q21.3.
Variant type: single nucleotide variant.
Coding change: c.793-20G>T on transcript NM_000089.4 (MANE Select); 20 bases into the intron before coding-DNA position 793, G replaced by T.
Molecular consequence: intron variant.
Genome position (GRCh38, 1-based): chr7:94,409,302, G>T. VCF-style: chr7-94409302-G-T. GRCh37 (hg19) VCF-style: chr7-94038614-G-T.
Identifiers: ClinVar variation 511295 (VCV000511295.4), dbSNP rs770146997, ClinGen allele CA4346833.

ClinVar aggregate classification (germline): Likely benign. Review status: criteria provided, multiple submitters, no conflicts (2 of 4 stars). 2 submissions from 2 submitters: Likely benign (2). Last evaluated 2025-03-20.

Conditions:
Ehlers-Danlos syndrome, classic type, 1 (EDSCL1). Also called: EHLERS-DANLOS SYNDROME, GRAVIS TYPE; EHLERS-DANLOS SYNDROME, SEVERE CLASSIC TYPE; EDS I; Ehlers-Danlos Syndrome, Classic Type, COL5A1-Related; Ehlers-Danlos syndrome, type 1. Identifiers: MedGen C0268335, MONDO:0019567, OMIM 130000.
Osteogenesis imperfecta type I (OI1). Also called: OI, TYPE I; OSTEOGENESIS IMPERFECTA TARDA; OSTEOGENESIS IMPERFECTA WITH BLUE SCLERAE; Classic Non-deforming Osteogenesis Imperfecta with Blue Sclerae; Lobstein disease; Osteogenesis imperfecta type 1. Identifiers: Orphanet 216796, Orphanet 666, MedGen C0023931, MONDO:0008146, OMIM 166200. Disease mechanism: loss of function.

Allele frequency attached by ClinVar (database versions not stated): gnomAD exomes 0.00001; ExAC 0.00002.
gnomAD v4.1: 8 of 1,605,614 alleles (0.0005%); highest among the groups gnomAD compares: Middle Eastern, 0.017%; no homozygotes.

Submissions (2):

Labcorp Genetics (formerly Invitae), Labcorp
Classification: Likely benign for Osteogenesis imperfecta type I; Ehlers-Danlos syndrome, classic type, 1. Last evaluated: 2025-03-20. Review status: criteria provided, single submitter. Criteria: Invitae Variant Classification Sherloc (09022015). Collection method: clinical testing. Allele origin: germline.

GeneDx
Classification: Likely benign. Last evaluated: 2017-08-10. Review status: criteria provided, single submitter. Criteria: GeneDx Variant Classification (06012015). Collection method: clinical testing. Allele origin: germline. Affected: yes.
Comment: This variant is considered likely benign or benign based on one or more of the following criteria: it is a conservative change, it occurs at a poorly conserved position in the protein, it is predicted to be benign by multiple in silico algorithms, and/or has population frequency not consistent with disease.